The following is an entry in ClinVar:

NM_025000.4(DCAF17):c.52C>A (p.Leu18Met)

Genes: DCAF17 (DDB1 and CUL4 associated factor 17; plus strand), METTL8 (methyltransferase 8, tRNA N3-cytidine; minus strand). Cytogenetic location: 2q31.1.
Variant type: single nucleotide variant.
Coding change: c.52C>A on transcript NM_025000.4 (MANE Select); coding-DNA position 52, C replaced by A.
Protein change: p.Leu18Met; replaces leucine 18 with methionine.
Molecular consequence: missense variant. On other transcripts: non-coding transcript variant (1), intron variant (4).
Genome position (GRCh38, 1-based): chr2:171,434,629, C>A. VCF-style: chr2-171434629-C-A. GRCh37 (hg19) VCF-style: chr2-172291139-C-A.
Other names: c.52C>A, p.Leu18Met (NM_001164821.2); c.8+45G>T (NM_001321161.2, NM_001321158.2, NM_001321157.2); c.-13+45G>T (NM_024770.5); short protein forms L18M.
Identifiers: ClinVar variation 1028862 (VCV001028862.3), dbSNP rs1693684988, ClinGen allele CA349597597.

ClinVar aggregate classification (germline): Uncertain significance (1 of 4 stars; one submission).

Conditions:
Woodhouse-Sakati syndrome. Also called: Hypogonadism, Alopecia, Diabetes Mellitus, Mental Retardation, and Extrapyramidal Syndrome; Hypogonadism, diabetes mellitus, alopecia, mental retardation and electrocardiographic abnormalities; EXTRAPYRAMIDAL DISORDER, PROGRESSIVE, WITH PRIMARY HYPOGONADISM, MENTAL RETARDATION, AND ALOPECIA. Identifiers: Orphanet 3464, MedGen C0342286, MONDO:0009419, OMIM 241080.

Submission:

Baylor Genetics
Classification: Uncertain significance for Woodhouse-Sakati syndrome. Last evaluated: 2019-11-15. Review status: criteria provided, single submitter. Criteria: ACMG Guidelines, 2015. Collection method: clinical testing. Allele origin: unknown. Affected: yes.
Comment: This variant was determined to be of uncertain significance according to ACMG Guidelines, 2015 [PMID:25741868].